The following is an entry in ClinVar:

NM_014297.5(ETHE1):c.495C>A (p.Asp165Glu)

Gene: ETHE1 (ETHE1 persulfide dioxygenase; minus strand). Cytogenetic location: 19q13.31.
Variant type: single nucleotide variant.
Coding change: c.495C>A on transcript NM_014297.5 (MANE Select); coding-DNA position 495, C replaced by A.
Protein change: p.Asp165Glu; replaces aspartic acid 165 with glutamic acid.
Molecular consequence: missense variant.
Genome position (GRCh38, 1-based): chr19:43,511,447, G>T on the plus strand (C>A on the coding strand, the complement: ETHE1 is on the minus strand). VCF-style: chr19-43511447-G-T. GRCh37 (hg19) VCF-style: chr19-44015599-G-T.
Other names: c.462C>A, p.Asp154Glu (NM_001320867.2); c.126C>A, p.Asp42Glu (NM_001320868.2); c.201C>A, p.Asp67Glu (NM_001320869.2); short protein forms D154E, D42E, D165E, D67E.
Identifiers: ClinVar variation 1965652 (VCV001965652.2), dbSNP rs1054256079, ClinGen allele CA308743500.

ClinVar aggregate classification (germline): Uncertain significance (1 of 4 stars; one submission).

Conditions:
Ethylmalonic encephalopathy (EE). Also called: EPEMA syndrome; Encephalopathy, petechiae, and ethylmalonic aciduria; Syndrome of encephalopathy, petechiae, and ethylmalonic aciduria. Identifiers: Orphanet 51188, MedGen C1865349, MONDO:0011229, OMIM 602473. Disease mechanism: loss of function.

Submission:

Labcorp Genetics (formerly Invitae), Labcorp
Classification: Uncertain significance for Ethylmalonic encephalopathy. Last evaluated: 2022-09-13. Review status: criteria provided, single submitter. Criteria: Invitae Variant Classification Sherloc (09022015). Collection method: clinical testing. Allele origin: germline.
Comment: This sequence change replaces aspartic acid, which is acidic and polar, with glutamic acid, which is acidic and polar, at codon 165 of the ETHE1 protein (p.Asp165Glu). This variant is not present in population databases (gnomAD no frequency). This variant has not been reported in the literature in individuals affected with ETHE1-related conditions. Advanced modeling of protein sequence and biophysical properties (such as structural, functional, and spatial information, amino acid conservation, physicochemical variation, residue mobility, and thermodynamic stability) performed at Invitae indicates that this missense variant is expected to disrupt ETHE1 protein function. This variant disrupts the p.Asp165 amino acid residue in ETHE1. Other variant(s) that disrupt this residue have been determined to be pathogenic (PMID: 21472225, 31477743). This suggests that this residue is clinically significant, and that variants that disrupt this residue are likely to be disease-causing. In summary, the available evidence is currently insufficient to determine the role of this variant in disease. Therefore, it has been classified as a Variant of Uncertain Significance.

Literature cited by the submitters: PubMed 21472225; PubMed 31477743.